The following is an entry in ClinVar:

ClinVar aggregate classification (germline): Uncertain significance (1 of 4 stars; one submission).

Allele frequency attached by ClinVar (database versions not stated): gnomAD exomes below 0.00001.
gnomAD v4.1: 1 of 1,613,424 alleles (0.000062%); highest among the groups gnomAD compares: Non-Finnish European, 0.000085%; no homozygotes.

Submission:

Labcorp Genetics (formerly Invitae), Labcorp
Classification: Uncertain significance. Last evaluated: 2021-05-06. Review status: criteria provided, single submitter. Criteria: Invitae Variant Classification Sherloc (09022015). Collection method: clinical testing. Allele origin: germline.
Comment: In summary, the available evidence is currently insufficient to determine the role of this variant in disease. Therefore, it has been classified as a Variant of Uncertain Significance. Algorithms developed to predict the effect of missense changes on protein structure and function are either unavailable or do not agree on the potential impact of this missense change (SIFT: "Deleterious"; PolyPhen-2: "Benign"; Align-GVGD: "Class C25"). This variant has not been reported in the literature in individuals with AHR-related conditions. This variant is not present in population databases (ExAC no frequency). This sequence change replaces arginine with threonine at codon 288 of the AHR protein (p.Arg288Thr). The arginine residue is highly conserved and there is a moderate physicochemical difference between arginine and threonine.

NM_001621.5(AHR):c.863G>C (p.Arg288Thr)

Gene: AHR (aryl hydrocarbon receptor; plus strand). Cytogenetic location: 7p21.1.
Variant type: single nucleotide variant.
Coding change: c.863G>C on transcript NM_001621.5 (MANE Select); coding-DNA position 863, G replaced by C.
Protein change: p.Arg288Thr; replaces arginine 288 with threonine.
Molecular consequence: missense variant.
Genome position (GRCh38, 1-based): chr7:17,334,069, G>C. VCF-style: chr7-17334069-G-C. GRCh37 (hg19) VCF-style: chr7-17373693-G-C.
Other names: short protein forms R288T.
Identifiers: ClinVar variation 1478866 (VCV001478866.8), dbSNP rs2115366404, ClinGen allele CA366892275.